The following is an entry in ClinVar:

ClinVar aggregate classification (germline): Uncertain significance (1 of 4 stars; one submission).

Submission:

Labcorp Genetics (formerly Invitae), Labcorp
Classification: Uncertain significance. Last evaluated: 2021-04-29. Review status: criteria provided, single submitter. Criteria: Invitae Variant Classification Sherloc (09022015). Collection method: clinical testing. Allele origin: germline.
Comment: This variant is not present in population databases (ExAC no frequency). This variant has not been reported in the literature in individuals with PCLO-related conditions. Algorithms developed to predict the effect of missense changes on protein structure and function are either unavailable or do not agree on the potential impact of this missense change (SIFT: "Deleterious"; PolyPhen-2: "Not Available"; Align-GVGD: "Class C0"). In summary, the available evidence is currently insufficient to determine the role of this variant in disease. Therefore, it has been classified as a Variant of Uncertain Significance. This sequence change replaces threonine with isoleucine at codon 1659 of the PCLO protein (p.Thr1659Ile). The threonine residue is weakly conserved and there is a moderate physicochemical difference between threonine and isoleucine.

NM_033026.6(PCLO):c.4976C>T (p.Thr1659Ile)

Gene: PCLO (piccolo presynaptic cytomatrix protein; minus strand). Cytogenetic location: 7q21.11.
Variant type: single nucleotide variant.
Coding change: c.4976C>T on transcript NM_033026.6 (MANE Select); coding-DNA position 4976, C replaced by T.
Protein change: p.Thr1659Ile; replaces threonine 1659 with isoleucine.
Molecular consequence: missense variant.
Genome position (GRCh38, 1-based): chr7:82,955,977, G>A on the plus strand (C>T on the coding strand, the complement: PCLO is on the minus strand). VCF-style: chr7-82955977-G-A. GRCh37 (hg19) VCF-style: chr7-82585293-G-A.
Other names: c.4976C>T, p.Thr1659Ile (NM_014510.3); short protein forms T1659I.
Identifiers: ClinVar variation 1471788 (VCV001471788.8), dbSNP rs1795506276, ClinGen allele CA367925538.